The following is an entry in ClinVar:

NM_021930.6(RINT1):c.2185C>T (p.His729Tyr)

Genes: EFCAB10 (EF-hand calcium binding domain 10; minus strand), RINT1 (RAD50 interactor 1; plus strand). Cytogenetic location: 7q22.3.
Variant type: single nucleotide variant.
Coding change: c.2185C>T on transcript NM_021930.6 (MANE Select); coding-DNA position 2185, C replaced by T.
Protein change: p.His729Tyr; replaces histidine 729 with tyrosine.
Molecular consequence: missense variant. On other transcripts: non-coding transcript variant (1), intron variant (3).
Genome position (GRCh38, 1-based): chr7:105,565,647, C>T. VCF-style: chr7-105565647-C-T. GRCh37 (hg19) VCF-style: chr7-105206094-C-T.
Other names: c.1951C>T, p.His651Tyr (NM_001346599.2); c.1162C>T, p.His388Tyr (NM_001346600.2, NM_001346603.2); c.1261C>T, p.His421Tyr (NM_001346601.2); c.360-200G>A (NM_001355531.2); c.384-200G>A (NM_001355526.2); c.384-32G>A (NM_001355530.2); short protein forms H388Y, H421Y, H651Y, H729Y.
Identifiers: ClinVar variation 3227637 (VCV003227637.1), dbSNP rs1791692439, ClinGen allele CA368815335.
Genomic context (GRCh38, chr7:105,565,647, plus strand): 5'-ACTCGGAATCTTTTCCCTTTGTTTTCTCACTATTGCAAGAGACCAGAAAATTATTTTAAA[C>T]AGTAAGCTCAACATTTAACAATTAATATTAATGTATCAAATTGTTACAGGAGGCTAACTC-3'
Protein context (NP_068749.3, residues 719-739): YCKRPENYFK[His729Tyr]IKEACIVLNL

ClinVar aggregate classification (germline): Uncertain significance (1 of 4 stars; one submission).

Allele frequency attached by ClinVar (database versions not stated): gnomAD exomes below 0.00001; TOPMed below 0.00001; gnomAD 0.00001.
gnomAD v4.1: 6 of 1,555,032 alleles (0.00039%); highest among the groups gnomAD compares: Admixed American, 0.0034%; no homozygotes.

Submission:

Ambry Genetics
Classification: Uncertain significance. Last evaluated: 2023-11-28. Review status: criteria provided, single submitter. Criteria: Ambry Variant Classification Scheme 2023. Collection method: clinical testing. Allele origin: germline.
Comment: The p.H729Y variant (also known as c.2185C>T), located in coding exon 14 of the RINT1 gene, results from a C to T substitution at nucleotide position 2185. The histidine at codon 729 is replaced by tyrosine, an amino acid with similar properties. This amino acid position is conserved. In addition, this alteration is predicted to be tolerated by in silico analysis. Since supporting evidence is limited at this time, the clinical significance of this alteration remains unclear.